The following is an entry in ClinVar:

ClinVar aggregate classification (germline): Uncertain significance (1 of 4 stars; one submission).

Conditions:
Brachyolmia-amelogenesis imperfecta syndrome. Also called: Tooth agenesis, selective, 6; Dental anomalies and short stature; PLATYSPONDYLY WITH AMELOGENESIS IMPERFECTA. Identifiers: Orphanet 2899, MedGen C1832594, MONDO:0011018, OMIM 601216. Disease mechanism: loss of function.

Submission:

Labcorp Genetics (formerly Invitae), Labcorp
Classification: Uncertain significance for Brachyolmia-amelogenesis imperfecta syndrome. Last evaluated: 2022-04-09. Review status: criteria provided, single submitter. Criteria: Invitae Variant Classification Sherloc (09022015). Collection method: clinical testing. Allele origin: germline.
Comment: In summary, the available evidence is currently insufficient to determine the role of this variant in disease. Therefore, it has been classified as a Variant of Uncertain Significance. Algorithms developed to predict the effect of missense changes on protein structure and function are either unavailable or do not agree on the potential impact of this missense change (SIFT: "Deleterious"; PolyPhen-2: "Possibly Damaging"; Align-GVGD: "Class C0"). This variant has not been reported in the literature in individuals affected with LTBP3-related conditions. This variant is not present in population databases (gnomAD no frequency). This sequence change replaces glutamine, which is neutral and polar, with lysine, which is basic and polar, at codon 940 of the LTBP3 protein (p.Gln940Lys).

NM_001130144.3(LTBP3):c.2818C>A (p.Gln940Lys)

Gene: LTBP3 (latent transforming growth factor beta binding protein 3; minus strand). Cytogenetic location: 11q13.1.
Variant type: single nucleotide variant.
Coding change: c.2818C>A on transcript NM_001130144.3 (MANE Select); coding-DNA position 2818, C replaced by A.
Protein change: p.Gln940Lys; replaces glutamine 940 with lysine.
Molecular consequence: missense variant.
Genome position (GRCh38, 1-based): chr11:65,541,201, G>T on the plus strand (C>A on the coding strand, the complement: LTBP3 is on the minus strand). VCF-style: chr11-65541201-G-T. GRCh37 (hg19) VCF-style: chr11-65308672-G-T.
Other names: c.2467C>A, p.Gln823Lys (NM_001164266.1); c.2818C>A, p.Gln940Lys (NM_021070.4); short protein forms Q823K, Q940K.
Identifiers: ClinVar variation 2123415 (VCV002123415.4), dbSNP rs2496130204, ClinGen allele CA381268330.